The following is an entry in ClinVar:

ClinVar aggregate classification (germline): Uncertain significance (1 of 4 stars; one submission).

Conditions:
Acute myeloid leukemia (AML). Also called: Acute myeloid leukemia, adult; AML adult; Acute non-lymphocytic leukemia; Acute granulocytic leukemia; Leukemia, acute myeloid, somatic; Leukemia, acute myelogenous, somatic. Identifiers: Orphanet 519, MedGen C0023467, MeSH D015470, MONDO:0018874, OMIM 601626, HP:0004808. Disease mechanism: Constitutively activated FLT3.

Submission:

Labcorp Genetics (formerly Invitae), Labcorp
Classification: Uncertain significance for Acute myeloid leukemia. Last evaluated: 2024-05-17. Review status: criteria provided, single submitter. Criteria: Invitae Variant Classification Sherloc (09022015). Collection method: clinical testing. Allele origin: germline.
Comment: This sequence change replaces glutamic acid, which is acidic and polar, with lysine, which is basic and polar, at codon 89 of the CEBPA protein (p.Glu89Lys). This variant is not present in population databases (gnomAD no frequency). This variant has not been reported in the literature in individuals affected with CEBPA-related conditions. Advanced modeling of protein sequence and biophysical properties (such as structural, functional, and spatial information, amino acid conservation, physicochemical variation, residue mobility, and thermodynamic stability) performed at Invitae indicates that this missense variant is not expected to disrupt CEBPA protein function with a negative predictive value of 80%. In summary, the available evidence is currently insufficient to determine the role of this variant in disease. Therefore, it has been classified as a Variant of Uncertain Significance.

NM_004364.5(CEBPA):c.265G>A (p.Glu89Lys)

Gene: CEBPA (CCAAT enhancer binding protein alpha; minus strand). Cytogenetic location: 19q13.11.
Variant type: single nucleotide variant.
Coding change: c.265G>A on transcript NM_004364.5 (MANE Select); coding-DNA position 265, G replaced by A.
Protein change: p.Glu89Lys; replaces glutamic acid 89 with lysine.
Molecular consequence: missense variant. On other transcripts: 5 prime UTR variant (1).
Genome position (GRCh38, 1-based): chr19:33,302,150, C>T on the plus strand (G>A on the coding strand, the complement: CEBPA is on the minus strand). VCF-style: chr19-33302150-C-T. GRCh37 (hg19) VCF-style: chr19-33793056-C-T.
Other names: c.-93G>A (NM_001285829.2); c.370G>A, p.Glu124Lys (NM_001287424.2); c.223G>A, p.Glu75Lys (NM_001287435.2); short protein forms E75K, E89K, E124K.
Identifiers: ClinVar variation 3690786 (VCV003690786.2).